The following is an entry in ClinVar:

ClinVar aggregate classification (germline): Likely benign. Review status: criteria provided, multiple submitters, no conflicts (2 of 4 stars). 6 submissions from 6 submitters: Likely benign (6). Last evaluated 2025-12-08.

Conditions:
Autoinflammatory syndrome. Identifiers: Orphanet 93665, MedGen C3890737, MONDO:0019751.
Pyogenic arthritis-pyoderma gangrenosum-acne syndrome (PAPA). Also called: FAMILIAL RECURRENT ARTHRITIS; PAPA SYNDROME. Identifiers: Orphanet 69126, MedGen C1858361, MONDO:0011462, OMIM 604416.

Allele frequency attached by ClinVar (database versions not stated): gnomAD exomes 0.00005 and 0.00007; gnomAD 0.00006 and 0.00009; ExAC 0.00007; TOPMed 0.00010; ESP Exome Variant Server 0.00017.
gnomAD v4.1: 87 of 1,609,744 alleles (0.0054%); highest among the groups gnomAD compares: Middle Eastern, 0.052%; no homozygotes.

Submissions (6):

Labcorp Genetics (formerly Invitae), Labcorp
Classification: Likely benign for Pyogenic arthritis-pyoderma gangrenosum-acne syndrome. Last evaluated: 2025-12-08. Review status: criteria provided, single submitter. Criteria: Invitae Variant Classification Sherloc (09022015). Collection method: clinical testing. Allele origin: germline.

CeGaT Center for Human Genetics Tuebingen
Classification: Likely benign. Last evaluated: 2023-11-01. Review status: criteria provided, single submitter. Criteria: CeGaT Center For Human Genetics Tuebingen Variant Classification Criteria Version 2. Collection method: clinical testing. Allele origin: germline. Affected: yes. Observed: 1 variant allele.
Comment: PSTPIP1: BP4, BP7

Blueprint Genetics
Classification: Likely benign. Last evaluated: 2022-06-14. Review status: criteria provided, single submitter. Criteria: ACMG Guidelines, 2015. Collection method: clinical testing. Allele origin: germline.

Genome Diagnostics Laboratory, The Hospital for Sick Children
Classification: Likely benign for Autoinflammatory syndrome. Last evaluated: 2021-04-07. Review status: criteria provided, single submitter. Criteria: ACMG Guidelines, 2015. Collection method: clinical testing. Allele origin: germline. Affected: yes.

Illumina Laboratory Services, Illumina
Classification: Likely benign for Pyogenic arthritis-pyoderma gangrenosum-acne syndrome. Last evaluated: 2018-01-13. Review status: criteria provided, single submitter. Criteria: ICSL Variant Classification Criteria 13 December 2019. Collection method: clinical testing. Allele origin: germline.
Comment: This variant was observed in the ICSL laboratory as part of a predisposition screen in an ostensibly healthy population. It had not been previously curated by ICSL or reported in the Human Gene Mutation Database (HGMD: prior to June 1st, 2018), and was therefore a candidate for classification through an automated scoring system. Utilizing variant allele frequency, disease prevalence and penetrance estimates, and inheritance mode, an automated score was calculated to assess if this variant is too frequent to cause the disease. Based on the score and internal cut-off values, a variant classified as likely benign is not then subjected to further curation. The score for this variant resulted in a classification of likely benign for this disease.

GeneDx
Classification: Likely benign. Last evaluated: 2017-08-31. Review status: criteria provided, single submitter. Criteria: GeneDx Variant Classification (06012015). Collection method: clinical testing. Allele origin: germline. Affected: yes.
Comment: This variant is considered likely benign or benign based on one or more of the following criteria: it is a conservative change, it occurs at a poorly conserved position in the protein, it is predicted to be benign by multiple in silico algorithms, and/or has population frequency not consistent with disease.

NM_003978.5(PSTPIP1):c.1014C>T (p.Pro338=)

Gene: PSTPIP1 (proline-serine-threonine phosphatase interacting protein 1; plus strand). Cytogenetic location: 15q24.3.
Variant type: single nucleotide variant.
Coding change: c.1014C>T on transcript NM_003978.5 (MANE Select); coding-DNA position 1014, C replaced by T.
Protein change: p.Pro338=; no amino-acid change (proline 338 retained).
Molecular consequence: synonymous variant. On other transcripts: non-coding transcript variant (1).
Genome position (GRCh38, 1-based): chr15:77,035,830, C>T. VCF-style: chr15-77035830-C-T. GRCh37 (hg19) VCF-style: chr15-77328171-C-T.
Other names: c.957C>T, p.Pro319= (NM_001321135.2); c.987C>T, p.Pro329= (NM_001321136.2); c.1209C>T, p.Pro403= (NM_001321137.1).
Identifiers: ClinVar variation 245668 (VCV000245668.40), dbSNP rs368838637, ClinGen allele CA7676136.